The following is an entry in ClinVar:

NM_003119.4(SPG7):c.1241G>A (p.Gly414Asp)

Gene: SPG7 (SPG7 matrix AAA peptidase subunit, paraplegin; plus strand). Cytogenetic location: 16q24.3.
Variant type: single nucleotide variant.
Coding change: c.1241G>A on transcript NM_003119.4 (MANE Select); coding-DNA position 1241, G replaced by A.
Protein change: p.Gly414Asp; replaces glycine 414 with aspartic acid.
Molecular consequence: missense variant.
Genome position (GRCh38, 1-based): chr16:89,532,553, G>A. VCF-style: chr16-89532553-G-A. GRCh37 (hg19) VCF-style: chr16-89598961-G-A.
Other names: c.1241G>A, p.Gly414Asp (NM_001363850.1, NM_199367.3); short protein forms G414D.
Identifiers: ClinVar variation 2808060 (VCV002808060.3), dbSNP rs2543766100, ClinGen allele CA397420944.

ClinVar aggregate classification (germline): Uncertain significance (1 of 4 stars; one submission).

Conditions:
Hereditary spastic paraplegia 7 (SPG7). Also called: SPG7-related neurologic disorder; Spastic paraplegia 7; Hereditary spastic paraplegia Paraplegin type; Autosomal recessive spastic paraplegia type 7; SPASTIC PARAPLEGIA 7, AUTOSOMAL RECESSIVE, WITH OR WITHOUT CEREBELLAR ATAXIA. Identifiers: Orphanet 99013, MedGen C1846564, MONDO:0011803, OMIM 607259.

Submission:

Labcorp Genetics (formerly Invitae), Labcorp
Classification: Uncertain significance for Hereditary spastic paraplegia 7. Last evaluated: 2022-10-18. Review status: criteria provided, single submitter. Criteria: Invitae Variant Classification Sherloc (09022015). Collection method: clinical testing. Allele origin: germline.
Comment: This sequence change replaces glycine, which is neutral and non-polar, with aspartic acid, which is acidic and polar, at codon 414 of the SPG7 protein (p.Gly414Asp). This variant is not present in population databases (gnomAD no frequency). This variant has not been reported in the literature in individuals affected with SPG7-related conditions. Advanced modeling of protein sequence and biophysical properties (such as structural, functional, and spatial information, amino acid conservation, physicochemical variation, residue mobility, and thermodynamic stability) performed at Invitae indicates that this missense variant is expected to disrupt SPG7 protein function. In summary, the available evidence is currently insufficient to determine the role of this variant in disease. Therefore, it has been classified as a Variant of Uncertain Significance.